The following is an entry in ClinVar:

NM_000702.4(ATP1A2):c.1936A>G (p.Asn646Asp)

Gene: ATP1A2 (ATPase Na+/K+ transporting subunit alpha 2; plus strand). Cytogenetic location: 1q23.2.
Variant type: single nucleotide variant.
Coding change: c.1936A>G on transcript NM_000702.4 (MANE Select); coding-DNA position 1936, A replaced by G.
Protein change: p.Asn646Asp; replaces asparagine 646 with aspartic acid.
Molecular consequence: missense variant.
Genome position (GRCh38, 1-based): chr1:160,134,592, A>G. VCF-style: chr1-160134592-A-G. GRCh37 (hg19) VCF-style: chr1-160104382-A-G.
Other names: short protein forms N646D.
Identifiers: ClinVar variation 3257419 (VCV003257419.17).

ClinVar aggregate classification (germline): Uncertain significance (1 of 4 stars; one submission).

Submission:

CeGaT Center for Human Genetics Tuebingen
Classification: Uncertain significance. Last evaluated: 2024-07-01. Review status: criteria provided, single submitter. Criteria: CeGaT Center For Human Genetics Tuebingen Variant Classification Criteria Version 2. Collection method: clinical testing. Allele origin: germline. Affected: yes. Observed: 1 variant allele.
Comment: ATP1A2: PM2